The following is an entry in ClinVar:

ClinVar aggregate classification (germline): Uncertain significance (1 of 4 stars; one submission).

gnomAD v4.1: 4 of 1,612,564 alleles (0.00025%); highest among the groups gnomAD compares: Admixed American, 0.0067%; no homozygotes.

Submission:

Labcorp Genetics (formerly Invitae), Labcorp
Classification: Uncertain significance. Last evaluated: 2025-04-10. Review status: criteria provided, single submitter. Criteria: Invitae Variant Classification Sherloc (09022015). Collection method: clinical testing. Allele origin: germline.
Comment: This sequence change replaces threonine, which is neutral and polar, with serine, which is neutral and polar, at codon 895 of the SUCO protein (p.Thr895Ser). This variant is present in population databases (no rsID available, gnomAD 0.009%). This variant has not been reported in the literature in individuals affected with SUCO-related conditions. An algorithm developed to predict the effect of missense changes on protein structure and function outputs the following: PolyPhen-2: "Benign". The serine amino acid residue is found in multiple mammalian species, which suggests that this missense change does not adversely affect protein function. In summary, the available evidence is currently insufficient to determine the role of this variant in disease. Therefore, it has been classified as a Variant of Uncertain Significance.

NM_014283.5(SUCO):c.2683A>T (p.Thr895Ser)

Gene: SUCO (SUN domain containing ossification factor; plus strand). Cytogenetic location: 1q24.3.
Variant type: single nucleotide variant.
Coding change: c.2683A>T on transcript NM_014283.5 (MANE Select); coding-DNA position 2683, A replaced by T.
Protein change: p.Thr895Ser; replaces threonine 895 with serine.
Molecular consequence: missense variant. On other transcripts: intron variant (1).
Genome position (GRCh38, 1-based): chr1:172,589,784, A>T. VCF-style: chr1-172589784-A-T. GRCh37 (hg19) VCF-style: chr1-172558924-A-T.
Other names: c.994A>T, p.Thr332Ser (NM_001282751.2); c.3136A>T, p.Thr1046Ser (NM_016227.4); c.1712+860A>T (NM_001282750.2); short protein forms T895S, T1046S, T332S.
Identifiers: ClinVar variation 4755008 (VCV004755008.1).